The following is an entry in ClinVar:

NM_004525.3(LRP2):c.10886A>G (p.His3629Arg)

Gene: LRP2 (LDL receptor related protein 2; minus strand). Cytogenetic location: 2q31.1.
Variant type: single nucleotide variant.
Coding change: c.10886A>G on transcript NM_004525.3 (MANE Select); coding-DNA position 10886, A replaced by G.
Protein change: p.His3629Arg; replaces histidine 3629 with arginine.
Molecular consequence: missense variant.
Genome position (GRCh38, 1-based): chr2:169,174,047, T>C on the plus strand (A>G on the coding strand, the complement: LRP2 is on the minus strand). VCF-style: chr2-169174047-T-C. GRCh37 (hg19) VCF-style: chr2-170030557-T-C.
Other names: short protein forms H3629R.
Identifiers: ClinVar variation 1363893 (VCV001363893.6), dbSNP rs2105281974, ClinGen allele CA349144837.

ClinVar aggregate classification (germline): Uncertain significance (1 of 4 stars; one submission).

Allele frequency attached by ClinVar (database versions not stated): gnomAD exomes below 0.00001.
gnomAD v4.1: 1 of 1,614,170 alleles (0.000062%); highest among the groups gnomAD compares: African/African-American, 0.0013%; no homozygotes.

Submission:

Labcorp Genetics (formerly Invitae), Labcorp
Classification: Uncertain significance. Last evaluated: 2022-07-12. Review status: criteria provided, single submitter. Criteria: Invitae Variant Classification Sherloc (09022015). Collection method: clinical testing. Allele origin: germline.
Comment: In summary, the available evidence is currently insufficient to determine the role of this variant in disease. Therefore, it has been classified as a Variant of Uncertain Significance. Advanced modeling of protein sequence and biophysical properties (such as structural, functional, and spatial information, amino acid conservation, physicochemical variation, residue mobility, and thermodynamic stability) performed at Invitae indicates that this missense variant is not expected to disrupt LRP2 protein function. ClinVar contains an entry for this variant (Variation ID: 1363893). This variant has not been reported in the literature in individuals affected with LRP2-related conditions. This variant is not present in population databases (gnomAD no frequency). This sequence change replaces histidine, which is basic and polar, with arginine, which is basic and polar, at codon 3629 of the LRP2 protein (p.His3629Arg).